The following is an entry in ClinVar:

NM_015909.4(NBAS):c.620G>A (p.Arg207Gln)

Gene: NBAS (NBAS subunit of NRZ tethering complex; minus strand). Cytogenetic location: 2p24.3.
Variant type: single nucleotide variant.
Coding change: c.620G>A on transcript NM_015909.4 (MANE Select); coding-DNA position 620, G replaced by A.
Protein change: p.Arg207Gln; replaces arginine 207 with glutamine.
Molecular consequence: missense variant. On other transcripts: non-coding transcript variant (1).
Genome position (GRCh38, 1-based): chr2:15,536,445, C>T on the plus strand (G>A on the coding strand, the complement: NBAS is on the minus strand). VCF-style: chr2-15536445-C-T. GRCh37 (hg19) VCF-style: chr2-15676569-C-T.
Other names: c.620G>A (NM_015909.3); short protein forms R207Q.
Identifiers: ClinVar variation 3616463 (VCV003616463.2).

ClinVar aggregate classification (germline): Uncertain significance. Review status: criteria provided, multiple submitters, no conflicts (2 of 4 stars). 2 submissions from 2 submitters: Uncertain significance (2). Last evaluated 2024-09-29.

gnomAD v4.1: 14 of 1,613,356 alleles (0.00087%); highest among the groups gnomAD compares: African/African-American, 0.0013%; no homozygotes.

Submissions (2):

GeneDx
Classification: Uncertain significance. Last evaluated: 2024-09-29. Review status: criteria provided, single submitter. Criteria: GeneDx Variant Classification Process June 2021. Collection method: clinical testing. Allele origin: germline. Affected: yes.
Comment: Not observed at significant frequency in large population cohorts (gnomAD); In silico analysis indicates that this missense variant does not alter protein structure/function; Has not been previously published as pathogenic or benign to our knowledge

Labcorp Genetics (formerly Invitae), Labcorp
Classification: Uncertain significance. Last evaluated: 2024-03-17. Review status: criteria provided, single submitter. Criteria: Invitae Variant Classification Sherloc (09022015). Collection method: clinical testing. Allele origin: germline.
Comment: This sequence change replaces arginine, which is basic and polar, with glutamine, which is neutral and polar, at codon 207 of the NBAS protein (p.Arg207Gln). This variant is present in population databases (rs377593721, gnomAD 0.002%). This variant has not been reported in the literature in individuals affected with NBAS-related conditions. Advanced modeling of protein sequence and biophysical properties (such as structural, functional, and spatial information, amino acid conservation, physicochemical variation, residue mobility, and thermodynamic stability) performed at Invitae indicates that this missense variant is not expected to disrupt NBAS protein function with a negative predictive value of 80%. In summary, the available evidence is currently insufficient to determine the role of this variant in disease. Therefore, it has been classified as a Variant of Uncertain Significance.